The following is an entry in ClinVar:

ClinVar aggregate classification (germline): Uncertain significance (1 of 4 stars; one submission).

Conditions:
OTOG-related disorder. Also called: OTOG-related condition.

gnomAD v4.1: 10 of 1,550,910 alleles (0.00064%); highest among the groups gnomAD compares: Admixed American, 0.0059%; no homozygotes.

Submission:

PreventionGenetics, part of Exact Sciences
Classification: Uncertain significance for OTOG-related condition. Last evaluated: 2026-05-27. Review status: criteria provided, single submitter. Criteria: ACMG Guidelines, 2015. Collection method: clinical testing. Allele origin: germline.
Comment: The OTOG c.7004G>A variant is predicted to result in the amino acid substitution p.Arg2335Gln. To our knowledge, this variant has not been reported in the literature. This variant is reported in 0.012% of alleles in individuals of Latino descent in gnomAD. At this time, the clinical significance of this variant is uncertain due to the absence of conclusive functional and genetic evidence.

NM_001292063.2(OTOG):c.6968G>A (p.Arg2323Gln)

Gene: OTOG (otogelin; plus strand). Cytogenetic location: 11p15.1.
Variant type: single nucleotide variant.
Coding change: c.6968G>A on transcript NM_001292063.2 (MANE Select); coding-DNA position 6968, G replaced by A.
Protein change: p.Arg2323Gln; replaces arginine 2323 with glutamine.
Molecular consequence: missense variant.
Genome position (GRCh38, 1-based): chr11:17,632,122, G>A. VCF-style: chr11-17632122-G-A. GRCh37 (hg19) VCF-style: chr11-17653669-G-A.
Other names: c.7004G>A, p.Arg2335Gln (NM_001277269.2); short protein forms R2335Q, R2323Q.
Identifiers: ClinVar variation 4988771 (VCV004988771.1).